The following is an entry in ClinVar:

ClinVar aggregate classification (germline): Likely benign. Review status: criteria provided, multiple submitters, no conflicts (2 of 4 stars). 3 submissions from 3 submitters: Likely benign (3). Last evaluated 2025-02-08.

Conditions:
Frasier syndrome. Identifiers: Orphanet 347, MedGen C0950122, MeSH D052159, MONDO:0007635, OMIM 136680.
Wilms tumor 1 (WT1). Also called: Wilms tumor, somatic. Identifiers: Orphanet 654, MedGen CN033288, MONDO:0008679, OMIM 194070.
11p partial monosomy syndrome (WAGR). Also called: CHROMOSOME 11p13 DELETION SYNDROME; WAGR syndrome; WAGR Complex; WAGR Spectrum Disorder. Identifiers: Orphanet 893, MedGen C0206115, MONDO:0008681, OMIM 194072.
Drash syndrome (DDS). Also called: WILMS TUMOR AND PSEUDO- OR TRUE HERMAPHRODITISM; NEPHROPATHY, WILMS TUMOR, AND GENITAL ANOMALIES. Identifiers: Orphanet 220, MedGen C0950121, MONDO:0008682, OMIM 194080.
Inborn genetic diseases. Identifiers: MedGen C0950123, MeSH D030342.

Allele frequency attached by ClinVar (database versions not stated): gnomAD exomes below 0.00001.
gnomAD v4.1: 1 of 1,613,948 alleles (0.000062%); highest among the groups gnomAD compares: Non-Finnish European, 0.000085%; no homozygotes.

Submissions (3):

Ambry Genetics
Classification: Likely benign for Inborn genetic diseases. Last evaluated: 2025-02-08. Review status: criteria provided, single submitter. Criteria: Ambry Variant Classification Scheme 2023. Collection method: clinical testing. Allele origin: germline.

All of Us Research Program, National Institutes of Health
Classification: Likely benign for Wilms tumor 1. Last evaluated: 2023-05-04. Review status: criteria provided, single submitter. Criteria: ACMG Guidelines, 2015. Collection method: clinical testing. Allele origin: germline. Inheritance: Autosomal dominant inheritance. Observed: 1 variant allele, 1 heterozygote.
Comment: This study involves interpretation of variants in research participants for the purpose of population health screening. Participant phenotype was not available at the time of variant classification. Additional details can be found in publication PMID: 35346344, PMCID: PMC8962531

Labcorp Genetics (formerly Invitae), Labcorp
Classification: Likely benign for Wilms tumor 1; Drash syndrome; 11p partial monosomy syndrome; Frasier syndrome. Last evaluated: 2022-11-25. Review status: criteria provided, single submitter. Criteria: Invitae Variant Classification Sherloc (09022015). Collection method: clinical testing. Allele origin: germline.

NM_024426.6(WT1):c.699C>T (p.Tyr233=)

Gene: WT1 (WT1 transcription factor; minus strand). Cytogenetic location: 11p13.
Variant type: single nucleotide variant.
Coding change: c.699C>T on transcript NM_024426.6 (MANE Select); coding-DNA position 699, C replaced by T.
Protein change: p.Tyr233=; no amino-acid change (tyrosine 233 retained).
Molecular consequence: synonymous variant. On other transcripts: 5 prime UTR variant (1), non-coding transcript variant (2), intron variant (2).
Genome position (GRCh38, 1-based): chr11:32,428,582, G>A on the plus strand (C>T on the coding strand, the complement: WT1 is on the minus strand). VCF-style: chr11-32428582-G-A. GRCh37 (hg19) VCF-style: chr11-32450128-G-A.
Other names: c.699C>T, p.Tyr233= (NM_000378.6, NM_001407044.1, NM_001407045.1 and 4 more transcripts); c.48C>T, p.Tyr16= (NM_001198551.2, NM_001198552.2); c.-64C>T (NM_001407051.1); c.684C>T, p.Tyr228= (NM_024425.2); c.662-524C>T (NM_001407050.1, NM_001407047.1); c.684C>T (NM_024426.4).
Identifiers: ClinVar variation 1568660 (VCV001568660.11), dbSNP rs1349302999, ClinGen allele CA473570387.
Genomic context (GRCh38, chr11:32,428,582, plus strand): 5'-ATCCTCATGCTTGAATGAGTGGTTGGGGAACTGCGCCGCATGGTGCGAGGGCGTGTGACC[G>A]TAGCTGGGCGTCCCGTCGAAGGTGACCGTGCTGTAACCTGCGGGAGCGGCGGAGAGAAGC-3'
Protein context (NP_077744.4, residues 223-243): STVTFDGTPS[Tyr233=]GHTPSHHAAQ